The following is an entry in ClinVar:

GRCh38/hg38 16p13.11-12.3(chr16:15457446-17965032)x1

Genes: ABCC1 (ATP binding cassette subfamily C member 1 (ABCC1 blood group); plus strand), ABCC6 (ATP binding cassette subfamily C member 6; minus strand), BMERB1 (bMERB domain containing 1; plus strand), CEP20 (centrosomal protein 20; minus strand), MARF1 (meiosis regulator and mRNA stability factor 1; minus strand) and 84 more. Cytogenetic location: 16p13.11-12.3.
Variant type: copy number loss.
Change: copy number 1 (one copy instead of two) of chr16:15,457,446-17,965,032 (2.51 Mb, GRCh38 coordinates, 1-based), cytogenetic band 16p13.11-12.3.
Identifiers: ClinVar variation 4888383 (VCV004888383.1).

ClinVar aggregate classification (germline): Likely pathogenic (1 of 4 stars; one submission).

Conditions:
16p13.11 recurrent microdeletion syndrome.

Submission:

New York Genome Center
Classification: Likely pathogenic for 16p13.11 recurrent microdeletion syndrome. Last evaluated: 2024-08-28. Review status: criteria provided, single submitter. Criteria: NYGC Assertion Criteria 2020. Collection method: clinical testing. Allele origin: inherited. Affected: yes. Observed: 1 variant allele.
Comment: The inherited ~3.5Mb interstitial 16p13.11 deletion identified contains 13 OMIM associated genes, 5 of which are diseases associated (NDE1,MYH11, ABCC1, ABCC6, and XYLT1). This region harbors a cluster of low copy repeats that lead to recurrent copy number changes, mainly three single copy intervals between segmental duplications [PMID:21150890,19786961]. Interval I includes the genes RRN3 and PDXDC1; Interval II includes MYH11, NDE1, and ABCC6, andInterval III includes XYLT1. The presence of these low copy repeats makes mapping the exact breakpoints with short-read sequencing and/or microarray difficult. A 16p13.11 BP2-BP3 recurrent deletion is fully contained within the deletion identified here. The 16p13.11 BP2-BP3 deletion is associated with phenotypic variability andconfers susceptibility to phenotypes including developmental delay, microcephaly, epilepsy, short stature, facial dysmorphisms, and behavioral problems [PMID:18550696,19843651,24246141]. Microdeletions appear de novo or are inherited from mildly affected or completely normal parents suggesting that the microdeletion has incomplete penetrance and variable expressivity [PMID:17480035,18550696,19843651]. Overall, it seems more likely that this is a susceptibility locus for neurocognitive disease than that 16p13.11 deletion is in itself sufficient to cause the phenotype, but further data is needed before reaching a definitive conclusion. The inherited deletion identified here fully contains NDE1, which is associated with autosomal recessive Lissencephaly 4 (with microcephaly) [MIM#614019] and Microhydranencephaly [MIM#605013] for which haploinsufficiency is the known mechanism. The inherited ~3.5Mb interstitial 16p13.11deletion chr16:(14993654_15457446)_(17965032_18780568)del is reported as Likely Pathogenic.

Literature cited by the submitters: PubMed 18550696; PubMed 19843651; PubMed 24246141.